The following is an entry in ClinVar:

NM_001376.5(DYNC1H1):c.6636G>T (p.Gln2212His)

Gene: DYNC1H1 (dynein cytoplasmic 1 heavy chain 1; plus strand). Cytogenetic location: 14q32.31.
Variant type: single nucleotide variant.
Coding change: c.6636G>T on transcript NM_001376.5 (MANE Select); coding-DNA position 6636, G replaced by T.
Protein change: p.Gln2212His; replaces glutamine 2212 with histidine.
Molecular consequence: missense variant.
Genome position (GRCh38, 1-based): chr14:102,011,892, G>T. VCF-style: chr14-102011892-G-T. GRCh37 (hg19) VCF-style: chr14-102478229-G-T.
Other names: short protein forms Q2212H.
Identifiers: ClinVar variation 1350483 (VCV001350483.8), dbSNP rs2048263087, ClinGen allele CA391057066.

ClinVar aggregate classification (germline): Uncertain significance (1 of 4 stars; one submission).

Conditions:
Charcot-Marie-Tooth disease axonal type 2O. Also called: Charcot-Marie-Tooth disease, axonal, type 20; CHARCOT-MARIE-TOOTH NEUROPATHY, AXONAL, TYPE 2O; CHARCOT-MARIE-TOOTH DISEASE, AXONAL, AUTOSOMAL DOMINANT, TYPE 2O; Charcot-Marie-Tooth Neuropathy Type 2O. Identifiers: Orphanet 284232, MedGen C3280220, MONDO:0013644, OMIM 614228.

Submission:

Labcorp Genetics (formerly Invitae), Labcorp
Classification: Uncertain significance for Charcot-Marie-Tooth disease axonal type 2O. Last evaluated: 2020-11-23. Review status: criteria provided, single submitter. Criteria: Invitae Variant Classification Sherloc (09022015). Collection method: clinical testing. Allele origin: germline.
Comment: This sequence change replaces glutamine with histidine at codon 2212 of the DYNC1H1 protein (p.Gln2212His). The glutamine residue is highly conserved and there is a small physicochemical difference between glutamine and histidine. This variant is not present in population databases (ExAC no frequency). This variant has not been reported in the literature in individuals with DYNC1H1-related conditions. Advanced modeling of protein sequence and biophysical properties (such as structural, functional, and spatial information, amino acid conservation, physicochemical variation, residue mobility, and thermodynamic stability) performed at Invitae indicates that this missense variant is not expected to disrupt DYNC1H1 protein function. In summary, the available evidence is currently insufficient to determine the role of this variant in disease. Therefore, it has been classified as a Variant of Uncertain Significance.